The following is an entry in ClinVar:

ClinVar aggregate classification (germline): Likely pathogenic (1 of 4 stars; one submission).

Conditions:
Landau-Kleffner syndrome (FESD). Also called: EPILEPSY, FOCAL, WITH SPEECH DISORDER AND WITH OR WITHOUT MENTAL RETARDATION; APHASIA, ACQUIRED, WITH EPILEPSY. Identifiers: Orphanet 1945, Orphanet 725, Orphanet 98818, MedGen C0282512, MONDO:0009509, OMIM 245570.

Submission:

Labcorp Genetics (formerly Invitae), Labcorp
Classification: Likely pathogenic for Landau-Kleffner syndrome. Last evaluated: 2021-05-16. Review status: criteria provided, single submitter. Criteria: Invitae Variant Classification Sherloc (09022015). Collection method: clinical testing. Allele origin: germline.
Comment: Algorithms developed to predict the effect of sequence changes on RNA splicing suggest that this variant may disrupt the consensus splice site, but this prediction has not been confirmed by published transcriptional studies. Disruption of this splice site has been observed in individual(s) with clinical features of GRIN2A-related conditions (Invitae). In summary, the currently available evidence indicates that the variant is pathogenic, but additional data are needed to prove that conclusively. Therefore, this variant has been classified as Likely Pathogenic. This variant is not present in population databases (ExAC no frequency). This sequence change affects a donor splice site in intron 9 of the GRIN2A gene. It is expected to disrupt RNA splicing. Variants that disrupt the donor or acceptor splice site typically lead to a loss of protein function (PMID: 16199547), and loss-of-function variants in GRIN2A are known to be pathogenic (PMID: 23933819, 23933820).

Literature cited by the submitters: PubMed 16199547; PubMed 23933819; PubMed 23933820.

NM_001134407.3(GRIN2A):c.1777+2T>C

Gene: GRIN2A (glutamate ionotropic receptor NMDA type subunit 2A; minus strand). Cytogenetic location: 16p13.2.
Variant type: single nucleotide variant.
Coding change: c.1777+2T>C on transcript NM_001134407.3 (MANE Select); the canonical splice donor site of the intron after coding-DNA position 1777, T replaced by C.
Molecular consequence: splice donor variant.
Genome position (GRCh38, 1-based): chr16:9,834,103, A>G on the plus strand (T>C on the coding strand, the complement: GRIN2A is on the minus strand). VCF-style: chr16-9834103-A-G. GRCh37 (hg19) VCF-style: chr16-9927960-A-G.
Other names: c.1777+2T>C (NM_001134408.2, NM_000833.5).
Identifiers: ClinVar variation 1480435 (VCV001480435.8), dbSNP rs2141325169, ClinGen allele CA394799865.